The following is an entry in ClinVar:

ClinVar aggregate classification (germline): Likely benign (1 of 4 stars; one submission).

Conditions:
PDK3-related disorder. Also called: PDK3-related condition.

Submission:

PreventionGenetics, part of Exact Sciences
Classification: Likely benign for PDK3-related condition. Last evaluated: 2025-06-03. Review status: criteria provided, single submitter. Criteria: ACMG Guidelines, 2015. Collection method: clinical testing. Allele origin: germline.
Comment: This variant is classified as likely benign based on ACMG/AMP sequence variant interpretation guidelines (Richards et al. 2015 PMID: 25741868, with internal and published modifications).

NM_005391.5(PDK3):c.249-10_249-9dup

Gene: PDK3 (pyruvate dehydrogenase kinase 3; plus strand). Cytogenetic location: Xp22.11.
Variant type: Duplication.
Coding change: c.249-10_249-9dup on transcript NM_005391.5 (MANE Select); 10 bases into the intron before coding-DNA position 249 through 9 bases into the intron before coding-DNA position 249, 2 bases duplicated (TT; older notation c.249-10_249-9dupTT).
Molecular consequence: intron variant.
Genome position (GRCh38, 1-based): chrX:24,498,819-24,498,820, TT duplicated; duplicating any 2 consecutive bases within chrX:24,498,809-24,498,820 gives the same sequence; the c. name uses the placement nearest the transcript's 3' end. VCF-style (leftmost placement, unchanged base first): chrX-24498808-C-CTT. GRCh37 (hg19) VCF-style: chrX-24516925-C-CTT.
Other names: c.249-10_249-9dup (NM_001142386.3).
Identifiers: ClinVar variation 4988918 (VCV004988918.1).